The following is an entry in ClinVar:

NM_004415.4(DSP):c.1141-1G>A

Gene: DSP (desmoplakin; plus strand). Cytogenetic location: 6p24.3.
Variant type: single nucleotide variant.
Coding change: c.1141-1G>A on transcript NM_004415.4 (MANE Select); the canonical splice acceptor site of the intron before coding-DNA position 1141, G replaced by A.
Molecular consequence: splice acceptor variant.
Genome position (GRCh38, 1-based): chr6:7,567,780, G>A. VCF-style: chr6-7567780-G-A. GRCh37 (hg19) VCF-style: chr6-7568013-G-A.
Other names: c.1141-1G>A (NM_001319034.2, NM_001008844.3, NM_001406591.1).
Identifiers: ClinVar variation 1482201 (VCV001482201.6), dbSNP rs2113673067, ClinGen allele CA362675886.

ClinVar aggregate classification (germline): Likely pathogenic (1 of 4 stars; one submission).

Conditions:
Arrhythmogenic cardiomyopathy with wooly hair and keratoderma. Also called: Arrhythmogenic cardiomyopathy with woolly hair and keratoderma; PALMOPLANTAR KERATODERMA WITH LEFT VENTRICULAR CARDIOMYOPATHY AND WOOLLY HAIR; Dilated cardiomyopathy with woolly hair and keratoderma; Carvajal syndrome. Identifiers: Orphanet 65282, MedGen C1854063, MONDO:0011581, OMIM 605676.
Arrhythmogenic right ventricular dysplasia 8 (ARVD8). Also called: Arrhythmogenic Right Ventricular Dysplasia/Cardiomyopathy 8; ARRHYTHMOGENIC RIGHT VENTRICULAR DYSPLASIA, FAMILIAL, 8; ARRHYTHMOGENIC RIGHT VENTRICULAR CARDIOMYOPATHY 8. Identifiers: MedGen C1843896, MONDO:0011831, OMIM 607450.

Submission:

Labcorp Genetics (formerly Invitae), Labcorp
Classification: Likely pathogenic for Arrhythmogenic cardiomyopathy with wooly hair and keratoderma; Arrhythmogenic right ventricular dysplasia 8. Last evaluated: 2022-06-28. Review status: criteria provided, single submitter. Criteria: Invitae Variant Classification Sherloc (09022015). Collection method: clinical testing. Allele origin: germline.
Comment: This sequence change affects an acceptor splice site in intron 9 of the DSP gene. It is expected to disrupt RNA splicing. Variants that disrupt the donor or acceptor splice site typically lead to a loss of protein function (PMID: 16199547), and loss-of-function variants in DSP are known to be pathogenic (PMID: 20716751, 24503780, 25227139). In summary, the currently available evidence indicates that the variant is pathogenic, but additional data are needed to prove that conclusively. Therefore, this variant has been classified as Likely Pathogenic. Algorithms developed to predict the effect of sequence changes on RNA splicing suggest that this variant may disrupt the consensus splice site. This variant has not been reported in the literature in individuals affected with DSP-related conditions. This variant is not present in population databases (gnomAD no frequency).

Literature cited by the submitters: PubMed 16199547; PubMed 20716751; PubMed 24503780; PubMed 25227139.